The following is an entry in ClinVar:

NM_138477.4(CDAN1):c.3481C>A (p.Leu1161Met)

Gene: CDAN1 (codanin 1; minus strand). Cytogenetic location: 15q15.2.
Variant type: single nucleotide variant.
Coding change: c.3481C>A on transcript NM_138477.4 (MANE Select); coding-DNA position 3481, C replaced by A.
Protein change: p.Leu1161Met; replaces leucine 1161 with methionine.
Molecular consequence: missense variant.
Genome position (GRCh38, 1-based): chr15:42,725,221, G>T on the plus strand (C>A on the coding strand, the complement: CDAN1 is on the minus strand). VCF-style: chr15-42725221-G-T. GRCh37 (hg19) VCF-style: chr15-43017419-G-T.
Other names: short protein forms L1161M.
Identifiers: ClinVar variation 2077800 (VCV002077800.1), dbSNP rs144732096, ClinGen allele CA7515112.

ClinVar aggregate classification (germline): Uncertain significance (1 of 4 stars; one submission).

Allele frequency attached by ClinVar (database versions not stated): gnomAD 0.00006; ESP Exome Variant Server 0.00008; TOPMed 0.00008.
gnomAD v4.1: 74 of 1,614,092 alleles (0.0046%); highest among the groups gnomAD compares: Admixed American, 0.0083%; no homozygotes.

Submission:

Labcorp Genetics (formerly Invitae), Labcorp
Classification: Uncertain significance. Last evaluated: 2022-05-21. Review status: criteria provided, single submitter. Criteria: Invitae Variant Classification Sherloc (09022015). Collection method: clinical testing. Allele origin: germline.
Comment: This sequence change replaces leucine, which is neutral and non-polar, with methionine, which is neutral and non-polar, at codon 1161 of the CDAN1 protein (p.Leu1161Met). This variant is present in population databases (rs144732096, gnomAD 0.2%). This variant has not been reported in the literature in individuals affected with CDAN1-related conditions. Algorithms developed to predict the effect of missense changes on protein structure and function are either unavailable or do not agree on the potential impact of this missense change (SIFT: "Tolerated"; PolyPhen-2: "Probably Damaging"; Align-GVGD: "Class C0"). In summary, the available evidence is currently insufficient to determine the role of this variant in disease. Therefore, it has been classified as a Variant of Uncertain Significance.